The following is an entry in ClinVar:

NM_015202.5(KATNIP):c.304A>G (p.Thr102Ala)

Gene: KATNIP (katanin interacting protein; plus strand). Cytogenetic location: 16p12.1.
Variant type: single nucleotide variant.
Coding change: c.304A>G on transcript NM_015202.5 (MANE Select); coding-DNA position 304, A replaced by G.
Protein change: p.Thr102Ala; replaces threonine 102 with alanine.
Molecular consequence: missense variant.
Genome position (GRCh38, 1-based): chr16:27,628,824, A>G. VCF-style: chr16-27628824-A-G. GRCh37 (hg19) VCF-style: chr16-27640145-A-G.
Other names: c.304A>G (NM_015202.2); short protein forms T102A.
Identifiers: ClinVar variation 2149748 (VCV002149748.5), dbSNP rs377735862, ClinGen allele CA7977273.

ClinVar aggregate classification (germline): Uncertain significance. Review status: criteria provided, multiple submitters, no conflicts (2 of 4 stars). 2 submissions from 2 submitters: Uncertain significance (2). Last evaluated 2025-08-03.

Allele frequency attached by ClinVar (database versions not stated): ExAC 0.00005; ESP Exome Variant Server 0.00008; gnomAD 0.00015; 1000 Genomes Project 30x 0.00016; 1000 Genomes Project 0.00020; TOPMed 0.00026.
gnomAD v4.1: 57 of 1,614,052 alleles (0.0035%); highest among the groups gnomAD compares: African/African-American, 0.064%; no homozygotes.

Submissions (2):

Ambry Genetics
Classification: Uncertain significance. Last evaluated: 2025-08-03. Review status: criteria provided, single submitter. Criteria: Ambry Variant Classification Scheme 2023. Collection method: clinical testing. Allele origin: germline.

Labcorp Genetics (formerly Invitae), Labcorp
Classification: Uncertain significance. Last evaluated: 2022-06-13. Review status: criteria provided, single submitter. Criteria: Invitae Variant Classification Sherloc (09022015). Collection method: clinical testing. Allele origin: germline.
Comment: In summary, the available evidence is currently insufficient to determine the role of this variant in disease. Therefore, it has been classified as a Variant of Uncertain Significance. Algorithms developed to predict the effect of missense changes on protein structure and function output the following: SIFT: "Tolerated"; PolyPhen-2: "Benign"; Align-GVGD: "Class C0". The alanine amino acid residue is found in multiple mammalian species, which suggests that this missense change does not adversely affect protein function. This variant has not been reported in the literature in individuals affected with KIAA0556-related conditions. This variant is present in population databases (rs377735862, gnomAD 0.07%). This sequence change replaces threonine, which is neutral and polar, with alanine, which is neutral and non-polar, at codon 102 of the KIAA0556 protein (p.Thr102Ala).